The following is an entry in ClinVar:

NM_000440.3(PDE6A):c.1033G>A (p.Gly345Ser)

Gene: PDE6A (phosphodiesterase 6A; minus strand). Cytogenetic location: 5q32.
Variant type: single nucleotide variant.
Coding change: c.1033G>A on transcript NM_000440.3 (MANE Select); coding-DNA position 1033, G replaced by A.
Protein change: p.Gly345Ser; replaces glycine 345 with serine.
Molecular consequence: missense variant.
Genome position (GRCh38, 1-based): chr5:149,907,344, C>T on the plus strand (G>A on the coding strand, the complement: PDE6A is on the minus strand). VCF-style: chr5-149907344-C-T. GRCh37 (hg19) VCF-style: chr5-149286907-C-T.
Other names: c.1033G>A (NM_000440.2); short protein forms G345S.
Identifiers: ClinVar variation 1517464 (VCV001517464.7), dbSNP rs769449516, ClinGen allele CA3504827.

ClinVar aggregate classification (germline): Uncertain significance. Review status: criteria provided, multiple submitters, no conflicts (2 of 4 stars). 3 submissions from 3 submitters: Uncertain significance (3). Last evaluated 2025-12-16.

Conditions:
Inborn genetic diseases. Identifiers: MedGen C0950123, MeSH D030342.

Allele frequency attached by ClinVar (database versions not stated): gnomAD 0.00004; TOPMed 0.00004.
gnomAD v4.1: 33 of 1,613,848 alleles (0.002%); highest among the groups gnomAD compares: Admixed American, 0.012%; no homozygotes.

Submissions (3):

Ambry Genetics
Classification: Uncertain significance for Inborn genetic diseases. Last evaluated: 2025-12-16. Review status: criteria provided, single submitter. Criteria: Ambry Variant Classification Scheme 2023. Collection method: clinical testing. Allele origin: germline.

Labcorp Genetics (formerly Invitae), Labcorp
Classification: Uncertain significance. Last evaluated: 2023-11-27. Review status: criteria provided, single submitter. Criteria: Invitae Variant Classification Sherloc (09022015). Collection method: clinical testing. Allele origin: germline.
Comment: This sequence change replaces glycine, which is neutral and non-polar, with serine, which is neutral and polar, at codon 345 of the PDE6A protein (p.Gly345Ser). This variant is present in population databases (rs769449516, gnomAD 0.02%). This variant has not been reported in the literature in individuals affected with PDE6A-related conditions. ClinVar contains an entry for this variant (Variation ID: 1517464). Advanced modeling of protein sequence and biophysical properties (such as structural, functional, and spatial information, amino acid conservation, physicochemical variation, residue mobility, and thermodynamic stability) performed at Invitae indicates that this missense variant is not expected to disrupt PDE6A protein function with a negative predictive value of 80%. In summary, the available evidence is currently insufficient to determine the role of this variant in disease. Therefore, it has been classified as a Variant of Uncertain Significance.

Blueprint Genetics
Classification: Uncertain significance. Last evaluated: 2020-06-25. Review status: criteria provided, single submitter. Criteria: ACMG Guidelines, 2015. Collection method: clinical testing. Allele origin: germline.